The following is an entry in ClinVar:

NM_003850.3(SUCLA2):c.955G>C (p.Gly319Arg)

Gene: SUCLA2 (succinate-CoA ligase ADP-forming subunit beta; minus strand). Cytogenetic location: 13q14.2.
Variant type: single nucleotide variant.
Coding change: c.955G>C on transcript NM_003850.3 (MANE Select); coding-DNA position 955, G replaced by C.
Protein change: p.Gly319Arg; replaces glycine 319 with arginine.
Molecular consequence: missense variant.
Genome position (GRCh38, 1-based): chr13:47,954,405, C>G on the plus strand (G>C on the coding strand, the complement: SUCLA2 is on the minus strand). VCF-style: chr13-47954405-C-G. GRCh37 (hg19) VCF-style: chr13-48528540-C-G.
Other names: p.G319R:GGC>CGC; short protein forms G319R.
Identifiers: ClinVar variation 203958 (VCV000203958.2), dbSNP rs796052045, ClinGen allele CA313024.
Genomic context (GRCh38, chr13:47,954,405, plus strand): 5'-AATCCAAATTAAACTTAGTGAATCCAATTCTAACATAAAAACACATGGTACCTAGGCAGC[C>G]TATATTTCCATCGAGGCCAATGTAGTTGAGATTTGCCTTAGCAGCATCTTTGTCCCTTTC-3'
Protein context (NP_003841.1, residues 309-329): LNYIGLDGNI[Gly319Arg]CLVNGAGLAM

ClinVar aggregate classification (germline): Likely pathogenic (1 of 4 stars; one submission).

Submission:

GeneDx
Classification: Likely pathogenic. Last evaluated: 2013-05-05. Review status: criteria provided, single submitter. Criteria: GeneDx Variant Classification (06012015). Collection method: clinical testing. Allele origin: germline. Affected: yes.
Comment: p.G319R (GGC>CGC): c.955 G>CThe G319R variant in the SUCLA2 gene has not been published as a mutation, nor has it been reported as a benign polymorphism to our knowledge. The amino acid substitution is non-conservative as an uncharged, non-polar Glycine residue is replaced by a positively charged, polar Arginine residue. This change occurs at a position that is conserved in the SUCLA2 protein and multiple in-silico analysis models predict G319R may be damaging to the protein. Therefore, the G319R variant is a strong candidate for a disease-causing mutation; however, the possibility that it is a benign variant cannot be excluded. Mutations in the SUCLA2 gene are associated with the autosomal recessive disorder mitochondrial DNA depletion syndrome 5; however two mutations in this gene are necessary for one to be affected with this disorder. The variant is found in MITONUC-MITOP panel(s).